The following is an entry in ClinVar:

NM_001385641.1(SAMD11):c.2216C>G (p.Pro739Arg)

Gene: SAMD11 (sterile alpha motif domain containing 11; plus strand). Cytogenetic location: 1p36.33.
Variant type: single nucleotide variant.
Coding change: c.2216C>G on transcript NM_001385641.1 (MANE Select); coding-DNA position 2216, C replaced by G.
Protein change: p.Pro739Arg; replaces proline 739 with arginine.
Molecular consequence: missense variant.
Genome position (GRCh38, 1-based): chr1:943,735, C>G. VCF-style: chr1-943735-C-G. GRCh37 (hg19) VCF-style: chr1-879115-C-G.
Other names: c.2219C>G, p.Pro740Arg (NM_001385640.1); c.1727C>G, p.Pro576Arg (NM_152486.4); short protein forms P740R, P576R, P739R.
Identifiers: ClinVar variation 1433503 (VCV001433503.8), dbSNP rs568615971, ClinGen allele CA503255.

ClinVar aggregate classification (germline): Uncertain significance (1 of 4 stars; one submission).

Allele frequency attached by ClinVar (database versions not stated): gnomAD exomes below 0.00001; ExAC 0.00001; gnomAD 0.00001 and 0.00002; TOPMed 0.00001; 1000 Genomes Project 30x 0.00016; 1000 Genomes Project 0.00020.
gnomAD v4.1: 3 of 1,604,754 alleles (0.00019%); highest among the groups gnomAD compares: African/African-American, 0.0027%; no homozygotes.

Submission:

Labcorp Genetics (formerly Invitae), Labcorp
Classification: Uncertain significance. Last evaluated: 2022-06-23. Review status: criteria provided, single submitter. Criteria: Invitae Variant Classification Sherloc (09022015). Collection method: clinical testing. Allele origin: germline.
Comment: This sequence change replaces proline, which is neutral and non-polar, with arginine, which is basic and polar, at codon 576 of the SAMD11 protein (p.Pro576Arg). This variant is present in population databases (rs568615971, gnomAD 0.007%). This variant has not been reported in the literature in individuals affected with SAMD11-related conditions. Algorithms developed to predict the effect of missense changes on protein structure and function are either unavailable or do not agree on the potential impact of this missense change (SIFT: "Deleterious"; PolyPhen-2: "Probably Damaging"; Align-GVGD: "Class C0"). In summary, the available evidence is currently insufficient to determine the role of this variant in disease. Therefore, it has been classified as a Variant of Uncertain Significance.